The following is an entry in ClinVar:

NM_003242.6(TGFBR2):c.477C>G (p.Asp159Glu)

Gene: TGFBR2 (transforming growth factor beta receptor 2; plus strand). Cytogenetic location: 3p24.1.
Variant type: single nucleotide variant.
Coding change: c.477C>G on transcript NM_003242.6 (MANE Select); coding-DNA position 477, C replaced by G.
Protein change: p.Asp159Glu; replaces aspartic acid 159 with glutamic acid.
Molecular consequence: missense variant. On other transcripts: intron variant (1).
Genome position (GRCh38, 1-based): chr3:30,671,660, C>G. VCF-style: chr3-30671660-C-G. GRCh37 (hg19) VCF-style: chr3-30713152-C-G.
Other names: c.552C>G, p.Asp184Glu (NM_001024847.3); c.660C>G, p.Asp220Glu (NM_001407126.1); c.585C>G, p.Asp195Glu (NM_001407127.1); c.504C>G, p.Asp168Glu (NM_001407128.1); c.480C>G, p.Asp160Glu (NM_001407129.1); c.477C>G, p.Asp159Glu (NM_001407130.1); c.372C>G, p.Asp124Glu (NM_001407132.1, NM_001407133.1, NM_001407134.1 and 2 more transcripts); c.192C>G, p.Asp64Glu (NM_001407137.1); and 2 more; short protein forms D124E, D159E, D160E, D168E, D184E, D195E, D220E, D39E.
Identifiers: ClinVar variation 4799144 (VCV004799144.1).

ClinVar aggregate classification (germline): Uncertain significance (1 of 4 stars; one submission).

Conditions:
Familial thoracic aortic aneurysm and aortic dissection (TAAD). Also called: Thoracic aortic aneurysms and dissections. Identifiers: Orphanet 91387, MedGen C4707243, MONDO:0019625.

Submission:

Labcorp Genetics (formerly Invitae), Labcorp
Classification: Uncertain significance for Familial thoracic aortic aneurysm and aortic dissection. Last evaluated: 2025-02-11. Review status: criteria provided, single submitter. Criteria: Invitae Variant Classification Sherloc (09022015). Collection method: clinical testing. Allele origin: germline.
Comment: This sequence change replaces aspartic acid, which is acidic and polar, with glutamic acid, which is acidic and polar, at codon 159 of the TGFBR2 protein (p.Asp159Glu). This variant is not present in population databases (gnomAD no frequency). This variant has not been reported in the literature in individuals affected with TGFBR2-related conditions. Invitae Evidence Modeling of protein sequence and biophysical properties (such as structural, functional, and spatial information, amino acid conservation, physicochemical variation, residue mobility, and thermodynamic stability) indicates that this missense variant is not expected to disrupt TGFBR2 protein function with a negative predictive value of 95%. In summary, the available evidence is currently insufficient to determine the role of this variant in disease. Therefore, it has been classified as a Variant of Uncertain Significance.